The following is an entry in ClinVar:

ClinVar aggregate classification (germline): Likely benign. Review status: criteria provided, multiple submitters, no conflicts (2 of 4 stars). 4 submissions from 4 submitters: Likely benign (4). Last evaluated 2026-03-01.

Conditions:
TBXAS1-related disorder. Also called: TBXAS1-related condition.

gnomAD v4.1: 2,574 of 1,536,774 alleles (0.17%); highest among the groups gnomAD compares: Middle Eastern, 0.25%; 2 homozygotes.

Submissions (4):

CeGaT Center for Human Genetics Tuebingen
Classification: Likely benign. Last evaluated: 2026-03-01. Review status: criteria provided, single submitter. Criteria: CeGaT Center For Human Genetics Tuebingen Variant Classification Criteria Version 2. Collection method: clinical testing. Allele origin: germline. Affected: yes. Observed: 3 variant alleles.
Comment: TBXAS1: BP4, BP7

PreventionGenetics, part of Exact Sciences
Classification: Likely benign for TBXAS1-related condition. Last evaluated: 2026-02-16. Review status: criteria provided, single submitter. Criteria: ACMG Guidelines, 2015. Collection method: clinical testing. Allele origin: germline.
Comment: This variant is classified as likely benign based on ACMG/AMP sequence variant interpretation guidelines (Richards et al. 2015 PMID: 25741868, with internal and published modifications).

Mayo Clinic Laboratories, Mayo Clinic
Classification: Likely benign. Last evaluated: 2025-10-17. Review status: criteria provided, single submitter. Criteria: ACMG Guidelines, 2015. Collection method: clinical testing. Allele origin: germline. Observed: 1 variant allele.
Comment: BP4, BP7

Blueprint Genetics
Classification: Likely benign. Last evaluated: 2024-11-21. Review status: criteria provided, single submitter. Criteria: ACMG Guidelines, 2015. Collection method: clinical testing. Allele origin: germline.

NM_001061.7(TBXAS1):c.451-710G>C

Gene: TBXAS1 (thromboxane A synthase 1; plus strand). Cytogenetic location: 7q34.
Variant type: single nucleotide variant.
Coding change: c.451-710G>C on transcript NM_001061.7 (MANE Select); 710 bases into the intron before coding-DNA position 451, G replaced by C.
Molecular consequence: intron variant. On other transcripts: synonymous variant (1).
Genome position (GRCh38, 1-based): chr7:139,952,658, G>C. VCF-style: chr7-139952658-G-C. GRCh37 (hg19) VCF-style: chr7-139652457-G-C.
Other names: p.?; c.558G>C, p.Val186= (NM_001166253.4); c.451-710G>C (NM_001130966.5, NM_030984.6, NM_001061.6); c.250-710G>C (NM_001166254.4); c.394-710G>C (NM_001314028.4); c.268-710G>C (NM_001366537.3).
Identifiers: ClinVar variation 3388101 (VCV003388101.17).